The following is an entry in ClinVar:

ClinVar aggregate classification (germline): Uncertain significance (1 of 4 stars; one submission).

Conditions:
Hereditary sensory and autonomic neuropathy type 7. Also called: HSAN VII; Neuropathy, hereditary sensory and autonomic, type VII. Identifiers: Orphanet 391397, MedGen C3809882, MONDO:0014244, OMIM 615548.
Familial episodic pain syndrome with predominantly lower limb involvement. Also called: Episodic pain syndrome, familial, 3. Identifiers: Orphanet 391384, Orphanet 391392, MedGen C3809899, MONDO:0014247, OMIM 615552.

Allele frequency attached by ClinVar (database versions not stated): TOPMed below 0.00001.
gnomAD v4.1: 40 of 1,613,710 alleles (0.0025%); highest among the groups gnomAD compares: East Asian, 0.087%; no homozygotes.

Submission:

Labcorp Genetics (formerly Invitae), Labcorp
Classification: Uncertain significance for Familial episodic pain syndrome with predominantly lower limb involvement; Hereditary sensory and autonomic neuropathy type 7. Last evaluated: 2023-10-04. Review status: criteria provided, single submitter. Criteria: Invitae Variant Classification Sherloc (09022015). Collection method: clinical testing. Allele origin: germline.
Comment: This sequence change replaces isoleucine, which is neutral and non-polar, with serine, which is neutral and polar, at codon 201 of the SCN11A protein (p.Ile201Ser). This variant is present in population databases (no rsID available, gnomAD 0.006%). This variant has not been reported in the literature in individuals affected with SCN11A-related conditions. Advanced modeling of protein sequence and biophysical properties (such as structural, functional, and spatial information, amino acid conservation, physicochemical variation, residue mobility, and thermodynamic stability) performed at Invitae indicates that this missense variant is not expected to disrupt SCN11A protein function. In summary, the available evidence is currently insufficient to determine the role of this variant in disease. Therefore, it has been classified as a Variant of Uncertain Significance.

NM_001349253.2(SCN11A):c.602T>G (p.Ile201Ser)

Gene: SCN11A (sodium voltage-gated channel alpha subunit 11; minus strand). Cytogenetic location: 3p22.2.
Variant type: single nucleotide variant.
Coding change: c.602T>G on transcript NM_001349253.2 (MANE Select); coding-DNA position 602, T replaced by G.
Protein change: p.Ile201Ser; replaces isoleucine 201 with serine.
Molecular consequence: missense variant.
Genome position (GRCh38, 1-based): chr3:38,926,818, A>C on the plus strand (T>G on the coding strand, the complement: SCN11A is on the minus strand). VCF-style: chr3-38926818-A-C. GRCh37 (hg19) VCF-style: chr3-38968309-A-C.
Other names: c.602T>G, p.Ile201Ser (NM_014139.3); short protein forms I201S.
Identifiers: ClinVar variation 2940148 (VCV002940148.3), dbSNP rs574583720, ClinGen allele CA352173516.
Genomic context (GRCh38, chr3:38,926,818, plus strand): 5'-CTTTCCCACTCCAAGTCTCTTCAAAAACATCTTTAATATTCTTACGCTATTCCAATGACA[A>C]TGGAGTCCAGCCAGTTCCATGGATCTCGAAGGAAAGAAAACTCATCCAGAATGAAACCTC-3'
Protein context (NP_001336182.1, residues 191-211): LRDPWNWLDS[Ile201Ser]VIGIAIVSYI